The following is an entry in ClinVar:

ClinVar aggregate classification (germline): Uncertain significance (1 of 4 stars; one submission).

Conditions:
Bardet-Biedl syndrome (BBS). Identifiers: Orphanet 110, MedGen C0752166, MONDO:0015229.

Submission:

Labcorp Genetics (formerly Invitae), Labcorp
Classification: Uncertain significance for Bardet-Biedl syndrome. Last evaluated: 2022-11-15. Review status: criteria provided, single submitter. Criteria: Invitae Variant Classification Sherloc (09022015). Collection method: clinical testing. Allele origin: germline.
Comment: This variant has not been reported in the literature in individuals affected with BBS7-related conditions. Algorithms developed to predict the effect of missense changes on protein structure and function (SIFT, PolyPhen-2, Align-GVGD) all suggest that this variant is likely to be disruptive. In summary, the available evidence is currently insufficient to determine the role of this variant in disease. Therefore, it has been classified as a Variant of Uncertain Significance. This variant is not present in population databases (gnomAD no frequency). This sequence change replaces proline, which is neutral and non-polar, with leucine, which is neutral and non-polar, at codon 536 of the BBS7 protein (p.Pro536Leu).

NM_176824.3(BBS7):c.1607C>T (p.Pro536Leu)

Gene: BBS7 (Bardet-Biedl syndrome 7; minus strand). Cytogenetic location: 4q27.
Variant type: single nucleotide variant.
Coding change: c.1607C>T on transcript NM_176824.3 (MANE Select); coding-DNA position 1607, C replaced by T.
Protein change: p.Pro536Leu; replaces proline 536 with leucine.
Molecular consequence: missense variant.
Genome position (GRCh38, 1-based): chr4:121,833,300, G>A on the plus strand (C>T on the coding strand, the complement: BBS7 is on the minus strand). VCF-style: chr4-121833300-G-A. GRCh37 (hg19) VCF-style: chr4-122754455-G-A.
Other names: c.1607C>T, p.Pro536Leu (NM_018190.4); short protein forms P536L.
Identifiers: ClinVar variation 2107138 (VCV002107138.4), dbSNP rs2476445873, ClinGen allele CA358057555.
Genomic context (GRCh38, chr4:121,833,300, plus strand): 5'-CTTTCAAGTTGTGTATCTAGAAAGGTGTTCTGAAAGTAAAATGTCACACATTCTCCTGCT[G>A]GAGGTTTTTCTGGAACTTCAGGCAGACAAAAAACCACCCAGGAGTGAACTTCAGCAAAAC-3'
Protein context (NP_789794.1, residues 526-546): FCLPEVPEKP[Pro536Leu]AGECVTFYFQ